The following is an entry in ClinVar:

ClinVar aggregate classification (germline): Pathogenic (1 of 4 stars; one submission).

Submission:

GeneDx
Classification: Pathogenic. Last evaluated: 2023-10-20. Review status: criteria provided, single submitter. Criteria: GeneDx Variant Classification Process June 2021. Collection method: clinical testing. Allele origin: germline. Affected: yes.
Comment: Not observed at significant frequency in large population cohorts (gnomAD); Affects a cysteine residue within a calcium-binding EGF-like domain of the FBN1 gene, which may affect disulfide bonding and is predicted to alter the structure and function of the protein; cysteine substitutions in the calcium-binding EGF-like domains represent the majority of pathogenic missense changes associated with FBN1-related disorders (Collod-Beroud et al., 2003); In silico analysis supports that this missense variant has a deleterious effect on protein structure/function; This variant is associated with the following publications: (PMID: 12938084, 36582279)

NM_000138.5(FBN1):c.5060G>C (p.Cys1687Ser)

Gene: FBN1 (fibrillin 1; minus strand). Cytogenetic location: 15q21.1.
Variant type: single nucleotide variant.
Coding change: c.5060G>C on transcript NM_000138.5 (MANE Select); coding-DNA position 5060, G replaced by C.
Protein change: p.Cys1687Ser; replaces cysteine 1687 with serine.
Molecular consequence: missense variant.
Genome position (GRCh38, 1-based): chr15:48,463,904, C>G on the plus strand (G>C on the coding strand, the complement: FBN1 is on the minus strand). VCF-style: chr15-48463904-C-G. GRCh37 (hg19) VCF-style: chr15-48756101-C-G.
Other names: c.5060G>C, p.Cys1687Ser (NM_001406716.1); short protein forms C1687S.
Identifiers: ClinVar variation 3341053 (VCV003341053.1).